The following is an entry in ClinVar:

NM_004341.5(CAD):c.1592C>T (p.Pro531Leu)

Gene: CAD (carbamoyl-phosphate synthetase 2, aspartate transcarbamylase, and dihydroorotase; plus strand). Cytogenetic location: 2p23.3.
Variant type: single nucleotide variant.
Coding change: c.1592C>T on transcript NM_004341.5 (MANE Select); coding-DNA position 1592, C replaced by T.
Protein change: p.Pro531Leu; replaces proline 531 with leucine.
Molecular consequence: missense variant.
Genome position (GRCh38, 1-based): chr2:27,225,215, C>T. VCF-style: chr2-27225215-C-T. GRCh37 (hg19) VCF-style: chr2-27448083-C-T.
Other names: c.1592C>T, p.Pro531Leu (NM_001306079.2); short protein forms P531L.
Identifiers: ClinVar variation 2189333 (VCV002189333.1), dbSNP rs751427745, ClinGen allele CA1572757.
Genomic context (GRCh38, chr2:27,225,215, plus strand): 5'-TGACCGAGGATCGACGGGCCTTTGCTGCCAGAATGGCAGAGATCGGAGAGCATGTGGCCC[C>T]GAGCGAGGCAGCAAATTCTCTTGAACAGGTTGGAGGGGTGTTTGGGTAAAGGAAGAATGG-3'
Protein context (NP_004332.2, residues 521-541): RMAEIGEHVA[Pro531Leu]SEAANSLEQA

ClinVar aggregate classification (germline): Uncertain significance (1 of 4 stars; one submission).

Allele frequency attached by ClinVar (database versions not stated): gnomAD 0.00001; ExAC 0.00002; gnomAD exomes 0.00002.

Submission:

Labcorp Genetics (formerly Invitae), Labcorp
Classification: Uncertain significance. Last evaluated: 2022-08-17. Review status: criteria provided, single submitter. Criteria: Invitae Variant Classification Sherloc (09022015). Collection method: clinical testing. Allele origin: germline.
Comment: This sequence change replaces proline, which is neutral and non-polar, with leucine, which is neutral and non-polar, at codon 531 of the CAD protein (p.Pro531Leu). This variant is present in population databases (rs751427745, gnomAD 0.004%). This variant has not been reported in the literature in individuals affected with CAD-related conditions. Algorithms developed to predict the effect of missense changes on protein structure and function are either unavailable or do not agree on the potential impact of this missense change (SIFT: "Tolerated"; PolyPhen-2: "Probably Damaging"; Align-GVGD: "Class C0"). In summary, the available evidence is currently insufficient to determine the role of this variant in disease. Therefore, it has been classified as a Variant of Uncertain Significance.